The following is an entry in ClinVar:

NM_001854.4(COL11A1):c.5033G>A (p.Gly1678Glu)

Gene: COL11A1 (collagen type XI alpha 1 chain; minus strand). Cytogenetic location: 1p21.1.
Variant type: single nucleotide variant.
Coding change: c.5033G>A on transcript NM_001854.4 (MANE Select); coding-DNA position 5033, G replaced by A.
Protein change: p.Gly1678Glu; replaces glycine 1678 with glutamic acid.
Molecular consequence: missense variant. On other transcripts: non-coding transcript variant (1).
Genome position (GRCh38, 1-based): chr1:102,881,704, C>T on the plus strand (G>A on the coding strand, the complement: COL11A1 is on the minus strand). VCF-style: chr1-102881704-C-T. GRCh37 (hg19) VCF-style: chr1-103347260-C-T.
Other names: c.4685G>A, p.Gly1562Glu (NM_001168249.1, NM_080630.4); c.4916G>A, p.Gly1639Glu (NM_001190709.2); c.5069G>A, p.Gly1690Glu (NM_080629.3); short protein forms G1639E, G1690E, G1678E, G1562E.
Identifiers: ClinVar variation 2972784 (VCV002972784.3), dbSNP rs2101017696, ClinGen allele CA341211268.

ClinVar aggregate classification (germline): Uncertain significance (1 of 4 stars; one submission).

Submission:

Labcorp Genetics (formerly Invitae), Labcorp
Classification: Uncertain significance. Last evaluated: 2023-10-22. Review status: criteria provided, single submitter. Criteria: Invitae Variant Classification Sherloc (09022015). Collection method: clinical testing. Allele origin: germline.
Comment: This sequence change replaces glycine, which is neutral and non-polar, with glutamic acid, which is acidic and polar, at codon 1678 of the COL11A1 protein (p.Gly1678Glu). This variant is not present in population databases (gnomAD no frequency). This variant has not been reported in the literature in individuals affected with COL11A1-related conditions. Advanced modeling of protein sequence and biophysical properties (such as structural, functional, and spatial information, amino acid conservation, physicochemical variation, residue mobility, and thermodynamic stability) has been performed at Invitae for this missense variant, however the output from this modeling did not meet the statistical confidence thresholds required to predict the impact of this variant on COL11A1 protein function. In summary, the available evidence is currently insufficient to determine the role of this variant in disease. Therefore, it has been classified as a Variant of Uncertain Significance.